The following is an entry in ClinVar:

ClinVar aggregate classification (germline): Pathogenic (1 of 4 stars; one submission).

Conditions:
Joubert syndrome 3 (JBTS3). Also called: AHI1-related Ciliopathy. Identifiers: Orphanet 220493, MedGen C1837713, MONDO:0012078, OMIM 608629.

Submission:

Myriad Genetics, Inc.
Classification: Pathogenic for Joubert syndrome 3. Last evaluated: 2024-09-02. Review status: criteria provided, single submitter. Criteria: Myriad Autosomal Dominant, Autosomal Recessive and X-Linked Classification Criteria (2023). Collection method: clinical testing. Allele origin: unknown.
Comment: NM_001134831.1(AHI1):c.2918C>G(S973*) is expected to be pathogenic in the context of Joubert syndrome, AHI1-related. This variant is predicted to lead to an abnormal or absent protein product due to the creation of a premature termination codon in AHI1, a gene where loss-of-function variants are known to be pathogenic. Please note: this variant was assessed in the context of healthy population screening.

NM_001134831.2(AHI1):c.2918C>G (p.Ser973Ter)

Gene: AHI1 (Abelson helper integration site 1; minus strand). Cytogenetic location: 6q23.3.
Variant type: single nucleotide variant.
Coding change: c.2918C>G on transcript NM_001134831.2 (MANE Select); coding-DNA position 2918, C replaced by G.
Protein change: p.Ser973Ter; replaces serine 973 with a stop codon.
Molecular consequence: nonsense.
Genome position (GRCh38, 1-based): chr6:135,411,391, G>C on the plus strand (C>G on the coding strand, the complement: AHI1 is on the minus strand). VCF-style: chr6-135411391-G-C. GRCh37 (hg19) VCF-style: chr6-135732529-G-C.
Other names: c.2918C>G, p.Ser973Ter (NM_001134830.2, NM_001134832.2, NM_001350503.2 and 2 more transcripts); short protein forms S973*.
Identifiers: ClinVar variation 5013516 (VCV005013516.1).